The following is an entry in ClinVar:

ClinVar aggregate classification (germline): Conflicting classifications of pathogenicity. Review status: criteria provided, conflicting classifications (1 of 4 stars). 11 submissions from 11 submitters: Uncertain significance (8); Likely benign (3). Last evaluated 2026-02-23.

Conditions:
Cardiovascular phenotype. Identifiers: MedGen CN230736.
Dilated cardiomyopathy 1JJ (CMD1JJ). Identifiers: Orphanet 154, MedGen C3808935, MONDO:0014095, OMIM 615235.
Cardiomyopathy (CMYO). Also called: Cardiomyopathies. Identifiers: Orphanet 167848, MedGen C0878544, MONDO:0004994, HP:0001638. Inheritance: Various modes of inheritance.

Allele frequency attached by ClinVar (database versions not stated): 1000 Genomes Project 0.00020; ExAC 0.00007; gnomAD exomes 0.00008; gnomAD 0.00013; TOPMed 0.00017; 1000 Genomes Project 30x 0.00031; ESP Exome Variant Server 0.00015.
gnomAD v4.1: 465 of 1,605,556 alleles (0.029%); highest among the groups gnomAD compares: African/African-American, 0.036%; no homozygotes.

Submissions (11):

Ambry Genetics
Classification: Likely benign for Cardiovascular phenotype. Last evaluated: 2026-02-23. Review status: criteria provided, single submitter. Criteria: Ambry Variant Classification Scheme 2023. Collection method: clinical testing. Allele origin: germline.

Labcorp Genetics (formerly Invitae), Labcorp
Classification: Uncertain significance for Dilated cardiomyopathy 1JJ. Last evaluated: 2026-01-10. Review status: criteria provided, single submitter. Criteria: Invitae Variant Classification Sherloc (09022015). Collection method: clinical testing. Allele origin: germline.
Comment: This sequence change replaces alanine, which is neutral and non-polar, with valine, which is neutral and non-polar, at codon 551 of the LAMA4 protein (p.Ala551Val). This variant is present in population databases (rs137893207, gnomAD 0.03%). This variant has not been reported in the literature in individuals affected with LAMA4-related conditions. ClinVar contains an entry for this variant (Variation ID: 194372). Invitae Evidence Modeling of protein sequence and biophysical properties (such as structural, functional, and spatial information, amino acid conservation, physicochemical variation, residue mobility, and thermodynamic stability) indicates that this missense variant is not expected to disrupt LAMA4 protein function with a negative predictive value of 80%. In summary, the available evidence is currently insufficient to determine the role of this variant in disease. Therefore, it has been classified as a Variant of Uncertain Significance.

Women's Health and Genetics/Laboratory Corporation of America, LabCorp
Classification: Likely benign. Last evaluated: 2025-12-08. Review status: criteria provided, single submitter. Criteria: LabCorp Variant Classification Summary - May 2015. Collection method: clinical testing. Allele origin: germline.
Comment: Variant summary: LAMA4 c.1673C>T (p.Ala558Val) results in a non-conservative amino acid change in the encoded protein sequence. Algorithms developed to predict the effect of missense changes on protein structure and function are either unavailable or do not agree on the potential impact of this missense change. The variant allele was found at a frequency of 7.6e-05 in 250312 control chromosomes. The observed variant frequency exceeds the estimated maximal expected allele frequency for disease-causing variants in LAMA4. To our knowledge, no occurrence of c.1673C>T in individuals affected with LAMA4-related conditions and no experimental evidence demonstrating its impact on protein function have been reported. ClinVar contains an entry for this variant (Variation ID: 194372). Based on the evidence outlined above, the variant was classified as likely benign.

GeneDx
Classification: Uncertain significance. Last evaluated: 2024-07-29. Review status: criteria provided, single submitter. Criteria: GeneDx Variant Classification Process June 2021. Collection method: clinical testing. Allele origin: germline. Affected: yes.
Comment: Has not been previously published as pathogenic or benign to our knowledge; In silico analysis indicates that this missense variant does not alter protein structure/function

CeGaT Center for Human Genetics Tuebingen
Classification: Likely benign. Last evaluated: 2023-02-01. Review status: criteria provided, single submitter. Criteria: CeGaT Center For Human Genetics Tuebingen Variant Classification Criteria Version 2. Collection method: clinical testing. Allele origin: germline. Affected: yes. Observed: 1 variant allele.
Comment: LAMA4: BP4, BS2

Fulgent Genetics
Classification: Uncertain significance for Dilated cardiomyopathy 1JJ. Last evaluated: 2021-08-19. Review status: criteria provided, single submitter. Criteria: ACMG Guidelines, 2015. Collection method: clinical testing. Allele origin: unknown.

ARUP Laboratories, Molecular Genetics and Genomics, ARUP Laboratories
Classification: Uncertain significance. Last evaluated: 2017-07-07. Review status: criteria provided, single submitter. Criteria: ARUP Molecular Germline Variant Investigation Process. Collection method: clinical testing. Allele origin: germline.
Comment: The p.Ala551Val variant (rs137893207) has not been reported in the medical literature; however, it is listed in the ClinVar database as a variant of uncertain significance (Variation ID: 194372). It is listed in the Genome Aggregation Database (gnomAD) browser with an overall frequency of 0.029% (identified in 7 out of 23,984 chromosomes). The alanine at codon 551 is weakly conserved considering 12 species (Alamut software v2.9), and computational analyses suggest this variant does not have a significant effect on LAMA4 protein structure/function (SIFT: tolerated, PolyPhen2: benign, and Mutation Taster: polymorphism). However, based on the available information, the clinical significance of the p.Ala551Val variant cannot be determined with certainty.

CHEO Genetics Diagnostic Laboratory, Children's Hospital of Eastern Ontario
Classification: Uncertain significance for Cardiomyopathy. Last evaluated: 2016-11-23. Review status: criteria provided, single submitter. Criteria: ACMG Guidelines, 2015. Collection method: clinical testing. Allele origin: germline. Study: Canadian Open Genetics Repository.

Laboratory for Molecular Medicine, Mass General Brigham Personalized Medicine
Classification: Uncertain significance. Last evaluated: 2015-11-12. Review status: criteria provided, single submitter. Criteria: LMM Criteria. Collection method: clinical testing. Allele origin: germline. Observed: 1 variant allele.
Comment: Variant classified as Uncertain Significance - Favor Benign. The p.Ala551Val var iant in LAMA4 has not been previously reported in individuals with cardiomyopath y, but has been identified in 6/62116 European chromosomes by the Exome Aggregat ion Consortium (ExAC; dbSNP rs137893207). Alanin e (Ala) at position 551 is not conserved in evolutionarily distant species with 7 reptiles and birds having a valine (Val) at that position, raising the possibi lity that this change may be tolerated. Other computational prediction tools sug gest that the p.Ala551Val variant may not impact the protein, though this inform ation is not predictive enough to rule out pathogenicity. In summary, while the clinical significance of the p.Ala551Val variant is uncertain, these data sugges t that it is more likely to be benign.

Eurofins Ntd Llc (ga)
Classification: Uncertain significance. Last evaluated: 2015-01-13. Review status: criteria provided, single submitter. Criteria: EGL Classification Definitions 2015. Collection method: clinical testing. Allele origin: germline. Observed: 1 variant allele, 1 heterozygote.

Stanford Center for Inherited Cardiovascular Disease, Stanford University
Classification: Uncertain significance. Last evaluated: 2014-04-15. Review status: criteria provided, single submitter. Criteria: ACMG Guidelines, 2015. Collection method: provider interpretation. Allele origin: germline.

NM_001105206.3(LAMA4):c.1673C>T (p.Ala558Val)

Gene: LAMA4 (laminin subunit alpha 4; minus strand). Cytogenetic location: 6q21.
Variant type: single nucleotide variant.
Coding change: c.1673C>T on transcript NM_001105206.3 (MANE Select); coding-DNA position 1673, C replaced by T.
Protein change: p.Ala558Val; replaces alanine 558 with valine.
Molecular consequence: missense variant.
Genome position (GRCh38, 1-based): chr6:112,158,876, G>A on the plus strand (C>T on the coding strand, the complement: LAMA4 is on the minus strand). VCF-style: chr6-112158876-G-A. GRCh37 (hg19) VCF-style: chr6-112480078-G-A.
Other names: p.A551V:GCG>GTG; c.1652C>T, p.Ala551Val (NM_001105207.3, NM_002290.5); short protein forms A558V, A551V.
Identifiers: ClinVar variation 194372 (VCV000194372.58), dbSNP rs137893207, ClinGen allele CA240304.